The following is an entry in ClinVar:

ClinVar aggregate classification (germline): Uncertain significance. Review status: criteria provided, multiple submitters, no conflicts (2 of 4 stars). 2 submissions from 2 submitters: Uncertain significance (2). Last evaluated 2022-06-22.

Conditions:
Cardiovascular phenotype. Identifiers: MedGen CN230736.

Allele frequency attached by ClinVar (database versions not stated): gnomAD exomes 0.00001.
gnomAD v4.1: 20 of 1,613,014 alleles (0.0012%); highest among the groups gnomAD compares: Non-Finnish European, 0.0017%; no homozygotes.

Submissions (2):

Ambry Genetics
Classification: Uncertain significance for Cardiovascular phenotype. Last evaluated: 2022-06-22. Review status: criteria provided, single submitter. Criteria: Ambry Variant Classification Scheme 2023. Collection method: clinical testing. Allele origin: germline.
Comment: The c.26092+3A>G intronic variant results from an A to G substitution 3 nucleotides after coding exon 104 in the TTN gene. This nucleotide position is well conserved in available vertebrate species. In silico splice site analysis for this alteration is inconclusive. Since supporting evidence is limited at this time, the clinical significance of this alteration remains unclear.

Eurofins Ntd Llc (ga)
Classification: Uncertain significance. Last evaluated: 2015-12-22. Review status: criteria provided, single submitter. Criteria: EGL Classification Definitions 2015. Collection method: clinical testing. Allele origin: germline. Observed: 1 variant allele, 1 heterozygote.

NM_001267550.2(TTN):c.53287+3A>G

Genes: TTN (titin; minus strand), TTN-AS1 (TTN antisense RNA 1; plus strand), LOC126806425 (BRD4-independent group 4 enhancer GRCh37_chr2:179471933-179473132; plus strand). Cytogenetic location: 2q31.2.
Variant type: single nucleotide variant.
Coding change: c.53287+3A>G on transcript NM_001267550.2 (MANE Select); 3 bases into the intron after coding-DNA position 53287, A replaced by G.
Molecular consequence: intron variant.
Genome position (GRCh38, 1-based): chr2:178,607,398, T>C on the plus strand (A>G on the coding strand, the complement: TTN is on the minus strand). VCF-style: chr2-178607398-T-C. GRCh37 (hg19) VCF-style: chr2-179472125-T-C.
Other names: c.26092+3A>G (NM_003319.4); c.26668+3A>G (NM_133437.4); c.26467+3A>G (NM_133432.3); c.45583+3A>G (NM_133378.4); c.48364+3A>G (NM_001256850.1).
Identifiers: ClinVar variation 285189 (VCV000285189.7), dbSNP rs886043039, ClinGen allele CA10605030.